The following is an entry in ClinVar:

ClinVar aggregate classification (germline): Uncertain significance (1 of 4 stars; one submission).

Submission:

Ambry Genetics
Classification: Uncertain significance. Last evaluated: 2024-03-25. Review status: criteria provided, single submitter. Criteria: Ambry Variant Classification Scheme 2023. Collection method: clinical testing. Allele origin: germline.
Comment: The p.K510* variant (also known as c.1528A>T), located in coding exon 11 of the RINT1 gene, results from an A to T substitution at nucleotide position 1528. This changes the amino acid from a lysine to a stop codon within coding exon 11. This alteration is expected to result in loss of function by premature protein truncation or nonsense-mediated mRNA decay. The evidence for this gene-disease relationship is limited; therefore, the clinical significance of this alteration is unclear.

NM_021930.6(RINT1):c.1528A>T (p.Lys510Ter)

Gene: RINT1 (RAD50 interactor 1; plus strand). Cytogenetic location: 7q22.3.
Variant type: single nucleotide variant.
Coding change: c.1528A>T on transcript NM_021930.6 (MANE Select); coding-DNA position 1528, A replaced by T.
Protein change: p.Lys510Ter; replaces lysine 510 with a stop codon.
Molecular consequence: nonsense.
Genome position (GRCh38, 1-based): chr7:105,555,084, A>T. VCF-style: chr7-105555084-A-T. GRCh37 (hg19) VCF-style: chr7-105195531-A-T.
Other names: c.1294A>T, p.Lys432Ter (NM_001346599.2); c.505A>T, p.Lys169Ter (NM_001346600.2, NM_001346603.2); c.604A>T, p.Lys202Ter (NM_001346601.2); short protein forms K432*, K202*, K510*, K169*.
Identifiers: ClinVar variation 3314430 (VCV003314430.1).